The following is an entry in ClinVar:

ClinVar aggregate classification (germline): Uncertain significance. Review status: criteria provided, multiple submitters, no conflicts (2 of 4 stars). 2 submissions from 2 submitters: Uncertain significance (2). Last evaluated 2021-09-17.

Conditions:
Neutral lipid storage myopathy (NLSDM). Also called: NEUTRAL LIPID STORAGE DISEASE WITHOUT ICHTHYOSIS. Identifiers: Orphanet 98908, MedGen C1853136, MONDO:0012545, OMIM 610717.

Allele frequency attached by ClinVar (database versions not stated): TOPMed 0.00001.
gnomAD v4.1: 8 of 1,534,564 alleles (0.00052%); highest among the groups gnomAD compares: Middle Eastern, 0.084%; no homozygotes.

Submissions (2):

Revvity Omics, Revvity
Classification: Uncertain significance for Neutral lipid storage myopathy. Last evaluated: 2021-09-17. Review status: criteria provided, single submitter. Criteria: ACMG Guidelines, 2015. Collection method: clinical testing. Allele origin: germline.

Labcorp Genetics (formerly Invitae), Labcorp
Classification: Uncertain significance for Neutral lipid storage myopathy. Last evaluated: 2020-01-21. Review status: criteria provided, single submitter. Criteria: Invitae Variant Classification Sherloc (09022015). Collection method: clinical testing. Allele origin: germline.
Comment: In summary, the available evidence is currently insufficient to determine the role of this variant in disease. Therefore, it has been classified as a Variant of Uncertain Significance. Algorithms developed to predict the effect of sequence changes on RNA splicing suggest that this variant may create or strengthen a splice site, but this prediction has not been confirmed by published transcriptional studies. Algorithms developed to predict the effect of missense changes on protein structure and function (SIFT, PolyPhen-2, Align-GVGD) all suggest that this variant is likely to be tolerated, but these predictions have not been confirmed by published functional studies and their clinical significance is uncertain. This variant has not been reported in the literature in individuals with PNPLA2-related conditions. The frequency data for this variant in the population databases is considered unreliable, as metrics indicate insufficient coverage at this position in the ExAC database. This sequence change replaces alanine with valine at codon 495 of the PNPLA2 protein (p.Ala495Val). The alanine residue is weakly conserved and there is a small physicochemical difference between alanine and valine.

NM_020376.4(PNPLA2):c.1484C>T (p.Ala495Val)

Gene: PNPLA2 (patatin like domain 2, triacylglycerol lipase; plus strand). Cytogenetic location: 11p15.5.
Variant type: single nucleotide variant.
Coding change: c.1484C>T on transcript NM_020376.4 (MANE Select); coding-DNA position 1484, C replaced by T.
Protein change: p.Ala495Val; replaces alanine 495 with valine.
Molecular consequence: missense variant.
Genome position (GRCh38, 1-based): chr11:824,831, C>T. VCF-style: chr11-824831-C-T. GRCh37 (hg19) VCF-style: chr11-824831-C-T.
Other names: short protein forms A495V.
Identifiers: ClinVar variation 1009741 (VCV001009741.13), dbSNP rs761924298, ClinGen allele CA216972507.